The following is an entry in ClinVar:

NM_003998.4(NFKB1):c.1301G>A (p.Gly434Glu)

Gene: NFKB1 (nuclear factor kappa B subunit 1; plus strand). Cytogenetic location: 4q24.
Variant type: single nucleotide variant.
Coding change: c.1301G>A on transcript NM_003998.4 (MANE Select); coding-DNA position 1301, G replaced by A.
Protein change: p.Gly434Glu; replaces glycine 434 with glutamic acid.
Molecular consequence: missense variant.
Genome position (GRCh38, 1-based): chr4:102,596,138, G>A. VCF-style: chr4-102596138-G-A. GRCh37 (hg19) VCF-style: chr4-103517295-G-A.
Other names: c.1298G>A, p.Gly433Glu (NM_001165412.2, NM_001319226.2, NM_001382627.1); c.1301G>A, p.Gly434Glu (NM_001382625.1, NM_001382626.1); c.1259G>A, p.Gly420Glu (NM_001382628.1); short protein forms G420E, G434E, G433E.
Identifiers: ClinVar variation 1460634 (VCV001460634.8), dbSNP rs2149206395, ClinGen allele CA357750802.

ClinVar aggregate classification (germline): Uncertain significance (1 of 4 stars; one submission).

gnomAD v4.1: 2 of 1,547,378 alleles (0.00013%); highest among the groups gnomAD compares: South Asian, 0.0025%; no homozygotes.

Submission:

Labcorp Genetics (formerly Invitae), Labcorp
Classification: Uncertain significance. Last evaluated: 2025-03-10. Review status: criteria provided, single submitter. Criteria: Invitae Variant Classification Sherloc (09022015). Collection method: clinical testing. Allele origin: germline.
Comment: This sequence change replaces glycine, which is neutral and non-polar, with glutamic acid, which is acidic and polar, at codon 434 of the NFKB1 protein (p.Gly434Glu). This variant is not present in population databases (gnomAD no frequency). This variant has not been reported in the literature in individuals affected with NFKB1-related conditions. ClinVar contains an entry for this variant (Variation ID: 1460634). An algorithm developed to predict the effect of missense changes on protein structure and function outputs the following: PolyPhen-2: "Benign". The glutamic acid amino acid residue is found in multiple mammalian species, which suggests that this missense change does not adversely affect protein function. In summary, the available evidence is currently insufficient to determine the role of this variant in disease. Therefore, it has been classified as a Variant of Uncertain Significance.